The following is an entry in ClinVar:

NM_022132.5(MCCC2):c.314del (p.Gly105fs)

Gene: MCCC2 (methylcrotonyl-CoA carboxylase subunit 2; plus strand). Cytogenetic location: 5q13.2.
Variant type: Deletion.
Coding change: c.314del on transcript NM_022132.5 (MANE Select); coding-DNA position 314, one base deleted (G; older notation c.314delG).
Protein change: p.Gly105fs; shifts the reading frame from glycine 105.
Molecular consequence: frameshift variant.
Genome position (GRCh38, 1-based): chr5:71,599,691, G deleted; the last of 2 consecutive G bases (chr5:71,599,690-71,599,691); deleting either gives the same sequence. VCF-style (leftmost placement, unchanged base first): chr5-71599689-AG-A. GRCh37 (hg19) VCF-style: chr5-70895516-AG-A.
Other names: c.314del, p.Gly105fs (NM_001363147.1); short protein forms G105fs.
Identifiers: ClinVar variation 1705041 (VCV001705041.1), dbSNP rs2530723770, ClinGen allele CA2580073394.

ClinVar aggregate classification (germline): Likely pathogenic (1 of 4 stars; one submission).

Conditions:
Methylcrotonyl-CoA carboxylase deficiency. Also called: 3 Methylcrotonylglycinuria; 3-MCC Deficiency; Deficiency of methylcrotonoyl-CoA carboxylase. Identifiers: Orphanet 6, MedGen C4551505, MONDO:0018950.

Submission:

Women's Health and Genetics/Laboratory Corporation of America, LabCorp
Classification: Likely pathogenic for Methylcrotonyl-CoA carboxylase deficiency. Last evaluated: 2022-08-04. Review status: criteria provided, single submitter. Criteria: LabCorp Variant Classification Summary - May 2015. Collection method: clinical testing. Allele origin: germline.
Comment: Variant summary: MCCC2 c.314delG (p.Gly105ValfsX25) results in a premature termination codon, predicted to cause a truncation of the encoded protein or absence of the protein due to nonsense mediated decay, which are commonly known mechanisms for disease. Truncations downstream of this position have been classified as pathogenic in ClinVar database. The variant was absent in 251452 control chromosomes (gnomAD). To our knowledge, no occurrence of c.314delG in individuals affected with Methylcrotonyl-CoA Carboxylase Deficiency and no experimental evidence demonstrating its impact on protein function have been reported. No clinical diagnostic laboratories have submitted clinical-significance assessments for this variant to ClinVar after 2014. Based on the evidence outlined above, the variant was classified as likely pathogenic.